The following is an entry in ClinVar:

ClinVar aggregate classification (germline): Uncertain significance (1 of 4 stars; one submission).

Allele frequency attached by ClinVar (database versions not stated): gnomAD exomes below 0.00001.
gnomAD v4.1: 1 of 1,612,532 alleles (0.000062%); highest among the groups gnomAD compares: South Asian, 0.0011%; no homozygotes.

Submission:

Labcorp Genetics (formerly Invitae), Labcorp
Classification: Uncertain significance. Last evaluated: 2022-03-24. Review status: criteria provided, single submitter. Criteria: Invitae Variant Classification Sherloc (09022015). Collection method: clinical testing. Allele origin: germline.
Comment: This sequence change creates a premature translational stop signal (p.Tyr177*) in the TNNI3K gene. It is expected to result in an absent or disrupted protein product. However, the current clinical and genetic evidence is not sufficient to establish whether loss-of-function variants in TNNI3K cause disease. This variant is not present in population databases (gnomAD no frequency). This variant has not been reported in the literature in individuals affected with TNNI3K-related conditions. In summary, the available evidence is currently insufficient to determine the role of this variant in disease. Therefore, it has been classified as a Variant of Uncertain Significance.

NM_015978.3(TNNI3K):c.531T>A (p.Tyr177Ter)

Genes: FPGT-TNNI3K (FPGT-TNNI3K readthrough; plus strand), TNNI3K (TNNI3 interacting kinase; plus strand). Cytogenetic location: 1p31.1.
Variant type: single nucleotide variant.
Coding change: c.531T>A on transcript NM_015978.3 (MANE Select); coding-DNA position 531, T replaced by A.
Protein change: p.Tyr177Ter; replaces tyrosine 177 with a stop codon.
Molecular consequence: nonsense.
Genome position (GRCh38, 1-based): chr1:74,331,536, T>A. VCF-style: chr1-74331536-T-A. GRCh37 (hg19) VCF-style: chr1-74797220-T-A.
Other names: c.834T>A, p.Tyr278Ter (NM_001112808.3, NM_001199327.2); short protein forms Y278*, Y177*.
Identifiers: ClinVar variation 2102436 (VCV002102436.4), dbSNP rs2524314572, ClinGen allele CA340779729.